The following is an entry in ClinVar:

NM_000051.4(ATM):c.2295del (p.Asn765fs)

Gene: ATM (ATM serine/threonine kinase; plus strand). Cytogenetic location: 11q22.3.
Variant type: Deletion.
Coding change: c.2295del on transcript NM_000051.4 (MANE Select); coding-DNA position 2295, one base deleted (T; older notation c.2295delT).
Protein change: p.Asn765fs; shifts the reading frame from asparagine 765.
Molecular consequence: frameshift variant.
Genome position (GRCh38, 1-based): chr11:108,257,525, T deleted. VCF-style (leftmost placement, unchanged base first): chr11-108257524-AT-A. GRCh37 (hg19) VCF-style: chr11-108128251-AT-A.
Other names: c.2295delT (NM_000051.3); c.2295del, p.Asn765fs (NM_001351834.2); short protein forms N765fs.
Identifiers: ClinVar variation 230468 (VCV000230468.12), dbSNP rs876658583, ClinGen allele CA10579048.

ClinVar aggregate classification (germline): Pathogenic. Review status: criteria provided, multiple submitters, no conflicts (2 of 4 stars). 4 submissions from 4 submitters: Pathogenic (3). 1 of the submissions does not count toward it. Last evaluated 2024-07-17.

Conditions:
Hereditary cancer-predisposing syndrome. Also called: Hereditary Cancer Syndrome; Neoplastic Syndromes, Hereditary; Tumor predisposition; Hereditary neoplastic syndrome. Identifiers: Orphanet 140162, MedGen C0027672, MeSH D009386, MONDO:0015356.
Familial cancer of breast. Also called: Hereditary breast cancer; hereditary breast carcinoma; BREAST CANCER, FAMILIAL. Identifiers: Orphanet 227535, MedGen C0346153, MONDO:0016419, OMIM 114480. Disease mechanism: loss of function.
Ataxia-telangiectasia syndrome (AT). Also called: Ataxia telangiectasia (A-T); Ataxia-telangiectasia, complementation group E; LOUIS-BAR SYNDROME; Cerebello-oculocutaneous telangiectasia; Immunodeficiency with ataxia telangiectasia; Ataxia-telangiectasia, complementation group D. Identifiers: Orphanet 100, MedGen C0004135, MONDO:0008840, OMIM 208900.

Allele frequency attached by ClinVar (database versions not stated): gnomAD exomes below 0.00001.

Submissions (4):

Ambry Genetics
Classification: Pathogenic for Hereditary cancer-predisposing syndrome. Last evaluated: 2024-07-17. Review status: criteria provided, single submitter. Criteria: Ambry Variant Classification Scheme 2023. Collection method: clinical testing. Allele origin: germline.
Comment: The c.2295delT pathogenic mutation, located in coding exon 14 of the ATM gene, results from a deletion of one nucleotide at nucleotide position 2295, causing a translational frameshift with a predicted alternate stop codon (p.N765Kfs*12). This alteration is expected to result in loss of function by premature protein truncation or nonsense-mediated mRNA decay. As such, this alteration is interpreted as a disease-causing mutation.

Labcorp Genetics (formerly Invitae), Labcorp
Classification: Pathogenic for Ataxia-telangiectasia syndrome. Last evaluated: 2024-04-30. Review status: criteria provided, single submitter. Criteria: Invitae Variant Classification Sherloc (09022015). Collection method: clinical testing. Allele origin: germline.
Comment: This sequence change creates a premature translational stop signal (p.Asn765Lysfs*12) in the ATM gene. It is expected to result in an absent or disrupted protein product. Loss-of-function variants in ATM are known to be pathogenic (PMID: 23807571, 25614872). This variant is not present in population databases (gnomAD no frequency). This variant has not been reported in the literature in individuals affected with ATM-related conditions. ClinVar contains an entry for this variant (Variation ID: 230468). For these reasons, this variant has been classified as Pathogenic.

Myriad Genetics, Inc.
Classification: Pathogenic for Familial cancer of breast. Last evaluated: 2024-01-17. Review status: criteria provided, single submitter. Criteria: Myriad Autosomal Dominant, Autosomal Recessive and X-Linked Classification Criteria (2023). Collection method: clinical testing. Allele origin: unknown.
Comment: This variant is considered pathogenic. This variant creates a frameshift predicted to result in premature protein truncation.

Counsyl
Classification: Likely pathogenic for Ataxia-telangiectasia syndrome. Last evaluated: 2017-03-10. Review status: no assertion criteria provided. Collection method: clinical testing. Allele origin: unknown. Not counted in ClinVar's aggregate classification.

Literature cited by the submitters: PubMed 23807571 (cited by Labcorp Genetics (formerly Invitae), Labcorp); PubMed 25614872 (cited by Labcorp Genetics (formerly Invitae), Labcorp).